The following is an entry in ClinVar:

NM_006440.5(TXNRD2):c.602C>G (p.Ala201Gly)

Gene: TXNRD2 (thioredoxin reductase 2; minus strand). Cytogenetic location: 22q11.21.
Variant type: single nucleotide variant.
Coding change: c.602C>G on transcript NM_006440.5 (MANE Select); coding-DNA position 602, C replaced by G.
Protein change: p.Ala201Gly; replaces alanine 201 with glycine.
Molecular consequence: missense variant. On other transcripts: non-coding transcript variant (1).
Genome position (GRCh38, 1-based): chr22:19,911,437, G>C on the plus strand (C>G on the coding strand, the complement: TXNRD2 is on the minus strand). VCF-style: chr22-19911437-G-C. GRCh37 (hg19) VCF-style: chr22-19898960-G-C.
Other names: c.602C>G, p.Ala201Gly (NM_001282512.3); c.599C>G, p.Ala200Gly (NM_001352300.2); c.512C>G, p.Ala171Gly (NM_001352301.2); c.314C>G, p.Ala105Gly (NM_001352302.2); c.506C>G, p.Ala169Gly (NM_001352303.2); short protein forms A105G, A169G, A171G, A200G, A201G.
Identifiers: ClinVar variation 3629021 (VCV003629021.2).

ClinVar aggregate classification (germline): Uncertain significance (1 of 4 stars; one submission).

Conditions:
Primary dilated cardiomyopathy (DCM). Also called: Dilated Cardiomyopathy. Identifiers: Orphanet 217604, MedGen C0007193, MeSH D002311, MONDO:0005021, HP:0001644. Inheritance: Various modes of inheritance.

gnomAD v4.1: 1 of 1,613,664 alleles (0.000062%); highest among the groups gnomAD compares: Non-Finnish European, 0.000085%; no homozygotes.

Submission:

Labcorp Genetics (formerly Invitae), Labcorp
Classification: Uncertain significance for Primary dilated cardiomyopathy. Last evaluated: 2024-02-22. Review status: criteria provided, single submitter. Criteria: Invitae Variant Classification Sherloc (09022015). Collection method: clinical testing. Allele origin: germline.
Comment: This sequence change replaces alanine, which is neutral and non-polar, with glycine, which is neutral and non-polar, at codon 201 of the TXNRD2 protein (p.Ala201Gly). This variant is present in population databases (no rsID available, gnomAD 0.0009%). This variant has not been reported in the literature in individuals affected with TXNRD2-related conditions. Advanced modeling of protein sequence and biophysical properties (such as structural, functional, and spatial information, amino acid conservation, physicochemical variation, residue mobility, and thermodynamic stability) performed at Invitae indicates that this missense variant is not expected to disrupt TXNRD2 protein function with a negative predictive value of 80%. In summary, the available evidence is currently insufficient to determine the role of this variant in disease. Therefore, it has been classified as a Variant of Uncertain Significance.